The following is an entry in ClinVar:

NM_001365276.2(TNXB):c.8872del (p.Glu2957_Leu2958insTer)

Gene: TNXB (tenascin XB; minus strand). Cytogenetic location: 6p21.33.
Variant type: Deletion.
Coding change: c.8872del on transcript NM_001365276.2 (MANE Select); coding-DNA position 8872, one base deleted (C; older notation c.8872delC).
Protein change: p.Glu2957_Leu2958insTer.
Molecular consequence: nonsense.
Genome position (GRCh38, 1-based): chr6:32,052,913, G deleted on the plus strand (C on the coding strand, the reverse complement: TNXB is on the minus strand). VCF-style (leftmost placement, unchanged base first): chr6-32052912-AG-A. GRCh37 (hg19) VCF-style: chr6-32020689-AG-A.
Other names: c.9613del, p.Glu3204_Leu3205insTer (NM_001428335.1); c.8866del, p.Glu2955_Leu2956insTer (NM_019105.8).
Identifiers: ClinVar variation 5004008 (VCV005004008.1).

ClinVar aggregate classification (germline): Pathogenic (1 of 4 stars; one submission).

Conditions:
Ehlers-Danlos syndrome due to tenascin-X deficiency (EDSCLL1). Also called: TNX DEFICIENCY; EDS DUE TO TNX DEFICIENCY; EHLERS-DANLOS SYNDROME, CLASSIC-LIKE; Ehlers-Danlos syndrome, classic-like, 1; TNXB-Related Classical-Like Ehlers-Danlos Syndrome. Identifiers: Orphanet 230839, MedGen C1848029, MONDO:0011670, OMIM 606408.

Submission:

Myriad Genetics, Inc.
Classification: Pathogenic for Ehlers-Danlos syndrome due to tenascin-X deficiency. Last evaluated: 2026-06-02. Review status: criteria provided, single submitter. Criteria: Myriad Autosomal Dominant, Autosomal Recessive and X-Linked Classification Criteria (2023). Collection method: clinical testing. Allele origin: unknown.
Comment: NM_019105.6(TNXB):c.8866delC(L2956*) is a nonsense variant classified as pathogenic in the context of classical-like Ehlers-Danlos syndrome, TNXB-related. L2956* has not been observed in cases with relevant disease. Relevant functional assessments of this variant are not available in the literature. L2956* has been observed in referenced population frequency databases. In summary, NM_019105.6(TNXB):c.8866delC(L2956*) is a nonsense variant in a gene where loss of function is a known mechanism of disease and is predicted to disrupt protein function. Please note: this variant was assessed in the context of healthy population screening.